The following is an entry in ClinVar:

ClinVar aggregate classification (germline): Conflicting classifications of pathogenicity. Review status: criteria provided, conflicting classifications (1 of 4 stars). 10 submissions from 10 submitters: Uncertain significance (4); Likely benign (5). 1 of the submissions does not count toward it. Last evaluated 2025-10-14.

Conditions:
Hereditary cancer-predisposing syndrome. Also called: Tumor predisposition; Neoplastic Syndromes, Hereditary; Hereditary neoplastic syndrome; Hereditary Cancer Syndrome. Identifiers: Orphanet 140162, MedGen C0027672, MeSH D009386, MONDO:0015356.
Hereditary breast ovarian cancer syndrome. Also called: Hereditary breast and ovarian cancer syndrome; Hereditary breast and ovarian cancer syndrome (HBOC); Hereditary breast and ovarian cancer; Breast and ovarian cancer; BRCA1- and BRCA2-Associated Hereditary Breast and Ovarian Cancer; Hereditary breast and/or ovarian cancer syndrome. Identifiers: Orphanet 145, MedGen C0677776, MeSH D061325, MONDO:0003582. Disease mechanism: loss of function.
Breast-ovarian cancer, familial, susceptibility to, 2 (BROVCA2). Also called: BRCA2 Hereditary Breast and Ovarian Cancer. Identifiers: Orphanet 145, MedGen C2675520, MONDO:0012933, OMIM 612555. Disease mechanism: loss of function.

Allele frequency attached by ClinVar (database versions not stated): gnomAD exomes below 0.00001; gnomAD 0.00001; TOPMed 0.00002.
gnomAD v4.1: 26 of 1,607,568 alleles (0.0016%); highest among the groups gnomAD compares: Middle Eastern, 0.017%; no homozygotes.

Submissions (10):

Ambry Genetics
Classification: Likely benign for Hereditary cancer-predisposing syndrome. Last evaluated: 2025-10-14. Review status: criteria provided, single submitter. Criteria: Ambry Variant Classification Scheme 2023. Collection method: clinical testing. Allele origin: germline.

Labcorp Genetics (formerly Invitae), Labcorp
Classification: Likely benign for Hereditary breast ovarian cancer syndrome. Last evaluated: 2025-08-30. Review status: criteria provided, single submitter. Criteria: Invitae Variant Classification Sherloc (09022015). Collection method: clinical testing. Allele origin: germline.

GeneDx
Classification: Uncertain significance. Last evaluated: 2024-09-04. Review status: criteria provided, single submitter. Criteria: GeneDx Variant Classification Process June 2021. Collection method: clinical testing. Allele origin: germline. Affected: yes.
Comment: Observed in individuals undergoing multigene panel testing (MGPT) based on personal and family history of cancer (PMID: 31853058); In silico analysis indicates that this missense variant does not alter protein structure/function; Not observed at significant frequency in large population cohorts (gnomAD); Also known as 2671A>G; This variant is associated with the following publications: (PMID: 31911673, 29884841, 32377563, 31853058)

Blueprint Genetics
Classification: Likely benign. Last evaluated: 2024-08-05. Review status: criteria provided, single submitter. Criteria: ACMG Guidelines, 2015. Collection method: clinical testing. Allele origin: germline.

Color Diagnostics, LLC DBA Color Health
Classification: Uncertain significance for Hereditary cancer-predisposing syndrome. Last evaluated: 2024-03-08. Review status: criteria provided, single submitter. Criteria: ACMG Guidelines, 2015. Collection method: clinical testing. Allele origin: germline.
Comment: This missense variant replaces methionine with valine at codon 815 of the BRCA2 protein. Computational prediction suggests that this variant may not impact protein structure and function. To our knowledge, functional studies have not been reported for this variant. This variant has been reported in an individual with personal or family history of breast cancer and a pathogenic BRCA2 covariant c.8053del (p.Thr2685Hisfs*9) (LOVD individual #00027766). This variant has been identified in 1/243410 chromosomes in the general population by the Genome Aggregation Database (gnomAD). The available evidence is insufficient to determine the role of this variant in disease conclusively. Therefore, this variant is classified as a Variant of Uncertain Significance.

Quest Diagnostics Nichols Institute San Juan Capistrano
Classification: Uncertain significance. Last evaluated: 2023-11-08. Review status: criteria provided, single submitter. Criteria: Quest Diagnostics criteria. Collection method: clinical testing. Allele origin: unknown.
Comment: The BRCA2 c.2443A>G (p.Met815Val) variant has been reported in the published literature in individuals undergoing multigene panel testing due to personal or family history of cancer (PMID: 31853058 (2020)). In addition, it has been reported in a large population study screening for variants in BRCA1 and BRCA2 in Chinese individuals (PMID: 30702160 (2019)). This variant has also been described to be located in a region of the BRCA2 gene that is tolerant to missense sequence changes (PMID: 31911673 (2020)). The frequency of this variant in the general population, 0.0000041 (1/243410 chromosomes (Genome Aggregation Database)), is uninformative in the assessment of its pathogenicity. Analysis of this variant using bioinformatics tools for the prediction of the effect of amino acid changes on protein structure and function yielded predictions that this variant is benign. Based on the available information, we are unable to determine the clinical significance of this variant.

University of Washington Department of Laboratory Medicine, University of Washington
Classification: Likely benign for Hereditary cancer-predisposing syndrome. Last evaluated: 2023-03-23. Review status: criteria provided, single submitter. Criteria: Dines et al. (Genet Med. 2020). Collection method: curation. Allele origin: germline.
Comment: Missense variant in a coldspot region where missense variants are very unlikely to be pathogenic (PMID:31911673).

BRCA2 exon 11 coldspot. Reclassification based on statistical prior probability.

Myriad Genetics, Inc.
Classification: Likely benign for Breast-ovarian cancer, familial, susceptibility to, 2. Last evaluated: 2023-02-09. Review status: criteria provided, single submitter. Criteria: Myriad Autosomal Dominant, Autosomal Recessive and X-Linked Classification Criteria (2023). Collection method: clinical testing. Allele origin: unknown.
Comment: This variant is considered likely benign. This variant is strongly associated with less severe personal and family histories of cancer, typical for individuals without pathogenic variants in this gene [PMID: 25085752].

Women's Health and Genetics/Laboratory Corporation of America, LabCorp
Classification: Uncertain significance. Last evaluated: 2021-08-30. Review status: criteria provided, single submitter. Criteria: LabCorp Variant Classification Summary - May 2015. Collection method: clinical testing. Allele origin: germline.
Comment: Variant summary: BRCA2 c.2443A>G (p.Met815Val) results in a conservative amino acid change in the encoded protein sequence. Five of five in-silico tools predict a benign effect of the variant on protein function. The variant allele was found at a frequency of 4.1e-06 in 243410 control chromosomes (gnomAD). The available data on variant occurrences in the general population are insufficient to allow any conclusion about variant significance. To our knowledge, no occurrence of c.2443A>G in individuals affected with Hereditary Breast And Ovarian Cancer Syndrome and no experimental evidence demonstrating its impact on protein function have been reported. At least one co-occurrence with another pathogenic variant has been reported (BRCA2 c.8053delA, p.Thr2685Hisfs*9; LOVD database), providing supporting evidence for a benign role. Four ClinVar submitters (evaluation after 2014) cite the variant as uncertain significance. Based on the evidence outlined above, the variant was classified as VUS-possibly benign.

Counsyl
Classification: Uncertain significance for Breast-ovarian cancer, familial, susceptibility to, 2. Last evaluated: 2015-12-22. Review status: no assertion criteria provided. Collection method: clinical testing. Allele origin: unknown. Not counted in ClinVar's aggregate classification.

Literature cited by the submitters: PubMed 30702160 (cited by Quest Diagnostics Nichols Institute San Juan Capistrano); PubMed 31911673 (cited by Quest Diagnostics Nichols Institute San Juan Capistrano); PubMed 31853058 (cited by Quest Diagnostics Nichols Institute San Juan Capistrano); PubMed 25085752 (cited by Myriad Genetics, Inc.).

NM_000059.4(BRCA2):c.2443A>G (p.Met815Val)

Gene: BRCA2 (BRCA2 DNA repair associated; plus strand). Cytogenetic location: 13q13.1.
Variant type: single nucleotide variant.
Coding change: c.2443A>G on transcript NM_000059.4 (MANE Select); coding-DNA position 2443, A replaced by G.
Protein change: p.Met815Val; replaces methionine 815 with valine.
Molecular consequence: missense variant.
Genome position (GRCh38, 1-based): chr13:32,336,798, A>G. VCF-style: chr13-32336798-A-G. GRCh37 (hg19) VCF-style: chr13-32910935-A-G.
Other names: short protein forms M815V.
Identifiers: ClinVar variation 187546 (VCV000187546.34), dbSNP rs786203814, ClinGen allele CA015297.